The following is an entry in ClinVar:

ClinVar aggregate classification (germline): Uncertain significance (1 of 4 stars; one submission).

Conditions:
Kleefstra syndrome 1 (KLEFS1). Identifiers: Orphanet 261494, MedGen C0795833, MONDO:0027407, OMIM 610253.

Allele frequency attached by ClinVar (database versions not stated): gnomAD exomes below 0.00001; ExAC 0.00001.
gnomAD v4.1: 4 of 1,613,338 alleles (0.00025%); highest among the groups gnomAD compares: Non-Finnish European, 0.00034%; no homozygotes.

Submission:

Labcorp Genetics (formerly Invitae), Labcorp
Classification: Uncertain significance for Kleefstra syndrome 1. Last evaluated: 2023-05-15. Review status: criteria provided, single submitter. Criteria: Invitae Variant Classification Sherloc (09022015). Collection method: clinical testing. Allele origin: germline.
Comment: In summary, the available evidence is currently insufficient to determine the role of this variant in disease. Therefore, it has been classified as a Variant of Uncertain Significance. An algorithm developed to predict the effect of missense changes on protein structure and function (PolyPhen-2) suggests that this variant is likely to be disruptive. ClinVar contains an entry for this variant (Variation ID: 950542). This variant has not been reported in the literature in individuals affected with EHMT1-related conditions. This variant is present in population databases (rs757859040, gnomAD 0.0009%). This sequence change replaces glycine, which is neutral and non-polar, with arginine, which is basic and polar, at codon 95 of the EHMT1 protein (p.Gly95Arg).

NM_024757.5(EHMT1):c.283G>A (p.Gly95Arg)

Gene: EHMT1 (euchromatic histone lysine methyltransferase 1; plus strand). Cytogenetic location: 9q34.3.
Variant type: single nucleotide variant.
Coding change: c.283G>A on transcript NM_024757.5 (MANE Select); coding-DNA position 283, G replaced by A.
Protein change: p.Gly95Arg; replaces glycine 95 with arginine.
Molecular consequence: missense variant.
Genome position (GRCh38, 1-based): chr9:137,716,823, G>A. VCF-style: chr9-137716823-G-A. GRCh37 (hg19) VCF-style: chr9-140611275-G-A.
Other names: c.283G>A, p.Gly95Arg (NM_001145527.2, NM_001354263.2, NM_001354611.2); c.190G>A, p.Gly64Arg (NM_001354259.2, NM_001354612.2); short protein forms G95R, G64R.
Identifiers: ClinVar variation 950542 (VCV000950542.8), dbSNP rs757859040, ClinGen allele CA5374257.